The following is an entry in ClinVar:

ClinVar aggregate classification (germline): Uncertain significance (1 of 4 stars; one submission).

Allele frequency attached by ClinVar (database versions not stated): ExAC 0.00001.

Submission:

Labcorp Genetics (formerly Invitae), Labcorp
Classification: Uncertain significance. Last evaluated: 2023-08-03. Review status: criteria provided, single submitter. Criteria: Invitae Variant Classification Sherloc (09022015). Collection method: clinical testing. Allele origin: germline.
Comment: In summary, the available evidence is currently insufficient to determine the role of this variant in disease. Therefore, it has been classified as a Variant of Uncertain Significance. An algorithm developed to predict the effect of missense changes on protein structure and function (PolyPhen-2) suggests that this variant is likely to be tolerated. This variant has not been reported in the literature in individuals affected with SLC7A14-related conditions. This variant is present in population databases (rs745461470, gnomAD 0.006%). This sequence change replaces glutamine, which is neutral and polar, with glutamic acid, which is acidic and polar, at codon 690 of the SLC7A14 protein (p.Gln690Glu).

NM_020949.3(SLC7A14):c.2068C>G (p.Gln690Glu)

Genes: SLC7A14 (solute carrier family 7 member 14; minus strand), SLC7A14-AS1 (SLC7A14 antisense RNA 1; plus strand). Cytogenetic location: 3q26.2.
Variant type: single nucleotide variant.
Coding change: c.2068C>G on transcript NM_020949.3 (MANE Select); coding-DNA position 2068, C replaced by G.
Protein change: p.Gln690Glu; replaces glutamine 690 with glutamic acid.
Molecular consequence: missense variant. On other transcripts: non-coding transcript variant (3).
Genome position (GRCh38, 1-based): chr3:170,467,303, G>C on the plus strand (C>G on the coding strand, the complement: SLC7A14 is on the minus strand). VCF-style: chr3-170467303-G-C. GRCh37 (hg19) VCF-style: chr3-170185091-G-C.
Other names: short protein forms Q690E.
Identifiers: ClinVar variation 2749747 (VCV002749747.3), dbSNP rs745461470, ClinGen allele CA2701515.